The following is an entry in ClinVar:

NM_004092.4(ECHS1):c.10C>G (p.Leu4Val)

Genes: ECHS1 (enoyl-CoA hydratase, short chain 1; minus strand), LOC130005023 (ATAC-STARR-seq lymphoblastoid silent region 2977; plus strand). Cytogenetic location: 10q26.3.
Variant type: single nucleotide variant.
Coding change: c.10C>G on transcript NM_004092.4 (MANE Select); coding-DNA position 10, C replaced by G.
Protein change: p.Leu4Val; replaces leucine 4 with valine.
Molecular consequence: missense variant.
Genome position (GRCh38, 1-based): chr10:133,373,324, G>C on the plus strand (C>G on the coding strand, the complement: ECHS1 is on the minus strand). VCF-style: chr10-133373324-G-C. GRCh37 (hg19) VCF-style: chr10-135186828-G-C.
Other names: short protein forms L4V.
Identifiers: ClinVar variation 1380590 (VCV001380590.6), dbSNP rs375893006, ClinGen allele CA378824553.

ClinVar aggregate classification (germline): Uncertain significance (1 of 4 stars; one submission).

Submission:

Labcorp Genetics (formerly Invitae), Labcorp
Classification: Uncertain significance. Last evaluated: 2021-09-10. Review status: criteria provided, single submitter. Criteria: Invitae Variant Classification Sherloc (09022015). Collection method: clinical testing. Allele origin: germline.
Comment: In summary, the available evidence is currently insufficient to determine the role of this variant in disease. Therefore, it has been classified as a Variant of Uncertain Significance. This sequence change replaces leucine with valine at codon 4 of the ECHS1 protein (p.Leu4Val). The leucine residue is weakly conserved and there is a small physicochemical difference between leucine and valine. The frequency data for this variant in the population databases is considered unreliable, as metrics indicate insufficient coverage at this position in the ExAC database. This variant has not been reported in the literature in individuals affected with ECHS1-related conditions. Advanced modeling of protein sequence and biophysical properties (such as structural, functional, and spatial information, amino acid conservation, physicochemical variation, residue mobility, and thermodynamic stability) performed at Invitae indicates that this missense variant is not expected to disrupt ECHS1 protein function. Algorithms developed to predict the effect of sequence changes on RNA splicing suggest that this variant may create or strengthen a splice site.